The following is an entry in ClinVar:

NM_007232.3(HRH3):c.798C>T (p.His266=)

Gene: HRH3 (histamine receptor H3; minus strand). Cytogenetic location: 20q13.33.
Variant type: single nucleotide variant.
Coding change: c.798C>T on transcript NM_007232.3 (MANE Select); coding-DNA position 798, C replaced by T.
Protein change: p.His266=; no amino-acid change (histidine 266 retained).
Molecular consequence: synonymous variant.
Genome position (GRCh38, 1-based): chr20:62,216,546, G>A on the plus strand (C>T on the coding strand, the complement: HRH3 is on the minus strand). VCF-style: chr20-62216546-G-A. GRCh37 (hg19) VCF-style: chr20-60791602-G-A.
Identifiers: ClinVar variation 2672885 (VCV002672885.23), dbSNP rs185957986, ClinGen allele CA9938067.

ClinVar aggregate classification (germline): Likely benign (1 of 4 stars; one submission).

Allele frequency attached by ClinVar (database versions not stated): 1000 Genomes Project 30x 0.00031; 1000 Genomes Project 0.00040; ESP Exome Variant Server 0.00049; TOPMed 0.00054; gnomAD 0.00060; ExAC 0.00080.
gnomAD v4.1: 839 of 1,603,036 alleles (0.052%); highest among the groups gnomAD compares: Middle Eastern, 0.051%; 1 homozygote.

Submission:

CeGaT Center for Human Genetics Tuebingen
Classification: Likely benign. Last evaluated: 2023-11-01. Review status: criteria provided, single submitter. Criteria: CeGaT Center For Human Genetics Tuebingen Variant Classification Criteria Version 2. Collection method: clinical testing. Allele origin: germline. Affected: yes. Observed: 1 variant allele.
Comment: HRH3: BP4, BP7